The following is an entry in ClinVar:

ClinVar aggregate classification (germline): Benign (1 of 4 stars; one submission).

Conditions:
Papillary renal cell carcinoma type 1 (RCCP1). Also called: Renal adenocarcinoma; Renal cell carcinoma 1; Renal cell carcinoma, somatic; RENAL CELL CARCINOMA, PAPILLARY, 1, SOMATIC. Identifiers: Orphanet 47044, MedGen C1336839, OMIM 605074, HP:0011797.

gnomAD v4.1: 2 of 1,613,950 alleles (0.00012%); highest among the groups gnomAD compares: South Asian, 0.0022%; no homozygotes.

Submission:

Myriad Genetics, Inc.
Classification: Benign for Papillary renal cell carcinoma type 1. Last evaluated: 2024-11-08. Review status: criteria provided, single submitter. Criteria: Myriad Autosomal Dominant, Autosomal Recessive and X-Linked Classification Criteria (2023). Collection method: clinical testing. Allele origin: unknown.
Comment: This variant is considered benign. This variant is a silent/synonymous amino acid change and it is not expected to impact splicing.

NM_000245.4(MET):c.2082A>G (p.Gly694=)

Gene: MET (MET proto-oncogene, receptor tyrosine kinase; plus strand). Cytogenetic location: 7q31.2.
Variant type: single nucleotide variant.
Coding change: c.2082A>G on transcript NM_000245.4 (MANE Select); coding-DNA position 2082, A replaced by G.
Protein change: p.Gly694=; no amino-acid change (glycine 694 retained).
Molecular consequence: synonymous variant.
Genome position (GRCh38, 1-based): chr7:116,757,754, A>G. VCF-style: chr7-116757754-A-G. GRCh37 (hg19) VCF-style: chr7-116397808-A-G.
Other names: c.2082A>G, p.Gly694= (NM_001127500.3, NM_001324401.3); c.792A>G, p.Gly264= (NM_001324402.2).
Identifiers: ClinVar variation 3773134 (VCV003773134.1).